The following is an entry in ClinVar:

NM_015450.3(POT1):c.826A>G (p.Arg276Gly)

Gene: POT1 (protection of telomeres 1; minus strand). Cytogenetic location: 7q31.33.
Variant type: single nucleotide variant.
Coding change: c.826A>G on transcript NM_015450.3 (MANE Select); coding-DNA position 826, A replaced by G.
Protein change: p.Arg276Gly; replaces arginine 276 with glycine.
Molecular consequence: missense variant. On other transcripts: non-coding transcript variant (3).
Genome position (GRCh38, 1-based): chr7:124,853,015, T>C on the plus strand (A>G on the coding strand, the complement: POT1 is on the minus strand). VCF-style: chr7-124853015-T-C. GRCh37 (hg19) VCF-style: chr7-124493069-T-C.
Other names: c.433A>G, p.Arg145Gly (NM_001042594.2); short protein forms R276G, R145G.
Identifiers: ClinVar variation 1346942 (VCV001346942.11), dbSNP rs2116504536, ClinGen allele CA369055319.

ClinVar aggregate classification (germline): Conflicting classifications of pathogenicity. Review status: criteria provided, conflicting classifications (1 of 4 stars). 2 submissions from 2 submitters: Uncertain significance (1); Likely benign (1). Last evaluated 2025-09-17.

Conditions:
Tumor predisposition syndrome 3 (TPDS3). Also called: Melanoma, cutaneous malignant, susceptibility to, 10; Glioma susceptibility 9; LONG TELOMERE SYNDROME, POT1-RELATED; POT1 Tumor Predisposition. Identifiers: Orphanet 618, MedGen C4014476, MONDO:0014368, OMIM 615848.
Hereditary cancer-predisposing syndrome. Also called: Neoplastic Syndromes, Hereditary; Tumor predisposition; Hereditary Cancer Syndrome; Hereditary neoplastic syndrome. Identifiers: Orphanet 140162, MedGen C0027672, MeSH D009386, MONDO:0015356.

Submissions (2):

Ambry Genetics
Classification: Likely benign for Hereditary cancer-predisposing syndrome. Last evaluated: 2025-09-17. Review status: criteria provided, single submitter. Criteria: Ambry Variant Classification Scheme 2023. Collection method: clinical testing. Allele origin: germline.

Labcorp Genetics (formerly Invitae), Labcorp
Classification: Uncertain significance for Tumor predisposition syndrome 3. Last evaluated: 2020-11-14. Review status: criteria provided, single submitter. Criteria: Invitae Variant Classification Sherloc (09022015). Collection method: clinical testing. Allele origin: germline.
Comment: This sequence change replaces arginine with glycine at codon 276 of the POT1 protein (p.Arg276Gly). The arginine residue is highly conserved and there is a moderate physicochemical difference between arginine and glycine. This variant is not present in population databases (ExAC no frequency). This variant has not been reported in the literature in individuals with POT1-related conditions. Algorithms developed to predict the effect of missense changes on protein structure and function (SIFT, PolyPhen-2, Align-GVGD) all suggest that this variant is likely to be tolerated, but these predictions have not been confirmed by published functional studies and their clinical significance is uncertain. In summary, the available evidence is currently insufficient to determine the role of this variant in disease. Therefore, it has been classified as a Variant of Uncertain Significance.